The following is an entry in ClinVar:

ClinVar aggregate classification (germline): Uncertain significance (1 of 4 stars; one submission).

Submission:

Women's Health and Genetics/Laboratory Corporation of America, LabCorp
Classification: Uncertain significance. Last evaluated: 2024-11-27. Review status: criteria provided, single submitter. Criteria: LabCorp Variant Classification Summary - May 2015. Collection method: clinical testing. Allele origin: germline.
Comment: Variant summary: PPP2R1A c.1375C>T (p.Arg459Cys) results in a non-conservative amino acid change in the encoded protein sequence. Four of five in-silico tools predict a damaging effect of the variant on protein function. The variant was absent in 251432 control chromosomes. The available data on variant occurrences in the general population are insufficient to allow any conclusion about variant significance. To our knowledge, no occurrence of c.1375C>T in individuals affected with Mental Retardation, Autosomal Dominant 36 and no experimental evidence demonstrating its impact on protein function have been reported. No submitters have cited clinical-significance assessments for this variant to ClinVar. Based on the evidence outlined above, the variant was classified as uncertain significance.

NM_014225.6(PPP2R1A):c.1375C>T (p.Arg459Cys)

Gene: PPP2R1A (protein phosphatase 2 scaffold subunit Aalpha; plus strand). Cytogenetic location: 19q13.41.
Variant type: single nucleotide variant.
Coding change: c.1375C>T on transcript NM_014225.6 (MANE Select); coding-DNA position 1375, C replaced by T.
Protein change: p.Arg459Cys; replaces arginine 459 with cysteine.
Molecular consequence: missense variant. On other transcripts: non-coding transcript variant (1).
Genome position (GRCh38, 1-based): chr19:52,220,990, C>T. VCF-style: chr19-52220990-C-T. GRCh37 (hg19) VCF-style: chr19-52724243-C-T.
Other names: c.838C>T, p.Arg280Cys (NM_001363656.2); short protein forms R280C, R459C.
Identifiers: ClinVar variation 3629526 (VCV003629526.2).